The following is an entry in ClinVar:

ClinVar aggregate classification (germline): Uncertain significance (1 of 4 stars; one submission).

Conditions:
Dextro-looped transposition of the great arteries. Also called: Dextrotransposition of the great arteries. Identifiers: Orphanet 860, MedGen C3531771, MONDO:0019443, OMIM 608808, HP:0031348.

Allele frequency attached by ClinVar (database versions not stated): gnomAD 0.00001; TOPMed 0.00001; ExAC 0.00002; ESP Exome Variant Server 0.00008.
gnomAD v4.1: 27 of 1,613,796 alleles (0.0017%); highest among the groups gnomAD compares: South Asian, 0.0022%; no homozygotes.

Submission:

Labcorp Genetics (formerly Invitae), Labcorp
Classification: Uncertain significance for Dextro-looped transposition of the great arteries. Last evaluated: 2022-10-04. Review status: criteria provided, single submitter. Criteria: Invitae Variant Classification Sherloc (09022015). Collection method: clinical testing. Allele origin: germline.
Comment: In summary, the available evidence is currently insufficient to determine the role of this variant in disease. Therefore, it has been classified as a Variant of Uncertain Significance. Advanced modeling of protein sequence and biophysical properties (such as structural, functional, and spatial information, amino acid conservation, physicochemical variation, residue mobility, and thermodynamic stability) has been performed at Invitae for this missense variant, however the output from this modeling did not meet the statistical confidence thresholds required to predict the impact of this variant on MED13L protein function. This variant has not been reported in the literature in individuals affected with MED13L-related conditions. This variant is present in population databases (rs149578923, gnomAD 0.006%). This sequence change replaces alanine, which is neutral and non-polar, with threonine, which is neutral and polar, at codon 1098 of the MED13L protein (p.Ala1098Thr).

NM_015335.5(MED13L):c.3292G>A (p.Ala1098Thr)

Gene: MED13L (mediator complex subunit 13L; minus strand). Cytogenetic location: 12q24.21.
Variant type: single nucleotide variant.
Coding change: c.3292G>A on transcript NM_015335.5 (MANE Select); coding-DNA position 3292, G replaced by A.
Protein change: p.Ala1098Thr; replaces alanine 1098 with threonine.
Molecular consequence: missense variant.
Genome position (GRCh38, 1-based): chr12:115,991,662, C>T on the plus strand (G>A on the coding strand, the complement: MED13L is on the minus strand). VCF-style: chr12-115991662-C-T. GRCh37 (hg19) VCF-style: chr12-116429467-C-T.
Other names: short protein forms A1098T.
Identifiers: ClinVar variation 2159042 (VCV002159042.4), dbSNP rs149578923, ClinGen allele CA6810998.
Genomic context (GRCh38, chr12:115,991,662, plus strand): 5'-AATCGGAGAGAATCAGGGTAACATAGAGGCTGTGGGCTTCGGGAATTGGCTGCATGGTGG[C>T]GGGCTCCACAGAGTTGAGGGGCCGTGTAGTAGAGGGGGTGGAGGCTGGTGATCCTTGATC-3'
Protein context (NP_056150.1, residues 1088-1108): TTRPLNSVEP[Ala1098Thr]TMQPIPEAHS